The following is an entry in ClinVar:

ClinVar aggregate classification (germline): Uncertain significance (1 of 4 stars; one submission).

Conditions:
LPL-related disorder. Also called: LPL-related condition.

Submission:

PreventionGenetics, part of Exact Sciences
Classification: Uncertain significance for LPL-related condition. Last evaluated: 2025-07-02. Review status: criteria provided, single submitter. Criteria: ACMG Guidelines, 2015. Collection method: clinical testing. Allele origin: germline.
Comment: The LPL c.277C>T variant is predicted to result in the amino acid substitution p.Pro93Ser. To our knowledge, this variant has not been reported in the literature. This variant is reported in 0.0033% of alleles in individuals of South Asian descent in gnomAD. At this time, the clinical significance of this variant is uncertain due to the absence of conclusive functional and genetic evidence.

NM_000237.3(LPL):c.277C>T (p.Pro93Ser)

Gene: LPL (lipoprotein lipase; plus strand). Cytogenetic location: 8p21.3.
Variant type: single nucleotide variant.
Coding change: c.277C>T on transcript NM_000237.3 (MANE Select); coding-DNA position 277, C replaced by T.
Protein change: p.Pro93Ser; replaces proline 93 with serine.
Molecular consequence: missense variant.
Genome position (GRCh38, 1-based): chr8:19,951,796, C>T. VCF-style: chr8-19951796-C-T. GRCh37 (hg19) VCF-style: chr8-19809307-C-T.
Other names: short protein forms P93S.
Identifiers: ClinVar variation 4996791 (VCV004996791.1).